The following is an entry in ClinVar:

ClinVar aggregate classification (germline): Uncertain significance (1 of 4 stars; one submission).

Allele frequency attached by ClinVar (database versions not stated): gnomAD exomes below 0.00001.
gnomAD v4.1: 1 of 1,613,630 alleles (0.000062%); highest among the groups gnomAD compares: Non-Finnish European, 0.000085%; no homozygotes.

Submission:

Labcorp Genetics (formerly Invitae), Labcorp
Classification: Uncertain significance. Last evaluated: 2022-04-11. Review status: criteria provided, single submitter. Criteria: Invitae Variant Classification Sherloc (09022015). Collection method: clinical testing. Allele origin: germline.
Comment: This variant is not present in population databases (gnomAD no frequency). This sequence change replaces glutamine, which is neutral and polar, with lysine, which is basic and polar, at codon 1698 of the SI protein (p.Gln1698Lys). Advanced modeling of protein sequence and biophysical properties (such as structural, functional, and spatial information, amino acid conservation, physicochemical variation, residue mobility, and thermodynamic stability) performed at Invitae indicates that this missense variant is not expected to disrupt SI protein function. This variant has not been reported in the literature in individuals affected with SI-related conditions. In summary, the available evidence is currently insufficient to determine the role of this variant in disease. Therefore, it has been classified as a Variant of Uncertain Significance.

NM_001041.4(SI):c.5092C>A (p.Gln1698Lys)

Gene: SI (sucrase-isomaltase; minus strand). Cytogenetic location: 3q26.1.
Variant type: single nucleotide variant.
Coding change: c.5092C>A on transcript NM_001041.4 (MANE Select); coding-DNA position 5092, C replaced by A.
Protein change: p.Gln1698Lys; replaces glutamine 1698 with lysine.
Molecular consequence: missense variant.
Genome position (GRCh38, 1-based): chr3:164,991,369, G>T on the plus strand (C>A on the coding strand, the complement: SI is on the minus strand). VCF-style: chr3-164991369-G-T. GRCh37 (hg19) VCF-style: chr3-164709157-G-T.
Other names: short protein forms Q1698K.
Identifiers: ClinVar variation 2124835 (VCV002124835.4), dbSNP rs2473198029, ClinGen allele CA355027937.